The following is an entry in ClinVar:

ClinVar aggregate classification (germline): Uncertain significance. Review status: criteria provided, multiple submitters, no conflicts (2 of 4 stars). 3 submissions from 3 submitters: Uncertain significance (3). Last evaluated 2025-07-20.

Conditions:
Multiple endocrine neoplasia, type 2 (MEN2). Identifiers: Orphanet 653, MedGen C4048306, MONDO:0019003. Disease mechanism: gain of function.
Hereditary cancer-predisposing syndrome. Also called: Hereditary Cancer Syndrome; Hereditary neoplastic syndrome; Tumor predisposition; Neoplastic Syndromes, Hereditary. Identifiers: Orphanet 140162, MedGen C0027672, MeSH D009386, MONDO:0015356.

Submissions (3):

Color Diagnostics, LLC DBA Color Health
Classification: Uncertain significance for Multiple endocrine neoplasia, type 2. Last evaluated: 2025-07-20. Review status: criteria provided, single submitter. Criteria: ACMG Guidelines, 2015. Collection method: clinical testing. Allele origin: germline.
Comment: This missense variant replaces alanine with threonine at codon 26 of the RET protein. Computational prediction suggests that this variant may not impact protein structure and function. To our knowledge, functional studies have not been reported for this variant. This variant has not been reported in individuals affected with RET-related disorders in the literature. This variant has not been identified in the general population by the Genome Aggregation Database (gnomAD). The available evidence is insufficient to determine the role of this variant in disease conclusively. Therefore, this variant is classified as a Variant of Uncertain Significance.

Ambry Genetics
Classification: Uncertain significance for Hereditary cancer-predisposing syndrome. Last evaluated: 2024-04-12. Review status: criteria provided, single submitter. Criteria: Ambry Variant Classification Scheme 2023. Collection method: clinical testing. Allele origin: germline.
Comment: The p.A26T variant (also known as c.76G>A), located in coding exon 2 of the RET gene, results from a G to A substitution at nucleotide position 76. The alanine at codon 26 is replaced by threonine, an amino acid with similar properties. This amino acid position is conserved. In addition, this alteration is predicted to be tolerated by in silico analysis. Based on the available evidence, the clinical significance of this variant remains unclear.

Labcorp Genetics (formerly Invitae), Labcorp
Classification: Uncertain significance for Multiple endocrine neoplasia, type 2. Last evaluated: 2021-12-17. Review status: criteria provided, single submitter. Criteria: Invitae Variant Classification Sherloc (09022015). Collection method: clinical testing. Allele origin: germline.
Comment: In summary, the available evidence is currently insufficient to determine the role of this variant in disease. Therefore, it has been classified as a Variant of Uncertain Significance. Algorithms developed to predict the effect of missense changes on protein structure and function output the following: SIFT: "Tolerated"; PolyPhen-2: "Benign"; Align-GVGD: "Class C0". The threonine amino acid residue is found in multiple mammalian species, which suggests that this missense change does not adversely affect protein function. This variant has not been reported in the literature in individuals affected with RET-related conditions. This variant is not present in population databases (gnomAD no frequency). This sequence change replaces alanine, which is neutral and non-polar, with threonine, which is neutral and polar, at codon 26 of the RET protein (p.Ala26Thr).

NM_020975.6(RET):c.76G>A (p.Ala26Thr)

Gene: RET (ret proto-oncogene; plus strand). Cytogenetic location: 10q11.21.
Variant type: single nucleotide variant.
Coding change: c.76G>A on transcript NM_020975.6 (MANE Select); coding-DNA position 76, G replaced by A.
Protein change: p.Ala26Thr; replaces alanine 26 with threonine.
Molecular consequence: missense variant.
Genome position (GRCh38, 1-based): chr10:43,100,461, G>A. VCF-style: chr10-43100461-G-A. GRCh37 (hg19) VCF-style: chr10-43595909-G-A.
Other names: c.76G>A, p.Ala26Thr (NM_000323.2, NM_001406743.1, NM_001406744.1 and 34 more transcripts); short protein forms A26T.
Identifiers: ClinVar variation 1964452 (VCV001964452.7), dbSNP rs1554817350, ClinGen allele CA376770035.